The following is an entry in ClinVar:

NM_001040142.2(SCN2A):c.3213A>C (p.Gly1071=)

Gene: SCN2A (sodium voltage-gated channel alpha subunit 2; plus strand). Cytogenetic location: 2q24.3.
Variant type: single nucleotide variant.
Coding change: c.3213A>C on transcript NM_001040142.2 (MANE Select); coding-DNA position 3213, A replaced by C.
Protein change: p.Gly1071=; no amino-acid change (glycine 1071 retained).
Molecular consequence: synonymous variant.
Genome position (GRCh38, 1-based): chr2:165,354,485, A>C. VCF-style: chr2-165354485-A-C. GRCh37 (hg19) VCF-style: chr2-166210995-A-C.
Other names: p.G1071G:GGA>GGC; c.3213A>C, p.Gly1071= (NM_001040143.2, NM_001371246.1, NM_001371247.1 and 1 more transcripts).
Identifiers: ClinVar variation 139010 (VCV000139010.46), dbSNP rs199997352, ClinGen allele CA293241.
Genomic context (GRCh38, chr2:165,354,485, plus strand): 5'-CTGTATTTCCAACCATACCACCATAGAAATAGGCAAAGACCTCAATTATCTCAAAGACGG[A>C]AATGGAACTACTAGTGGCATAGGCAGCAGTGTAGAAAAATATGTCGTGGATGAAAGTGAT-3'
Protein context (NP_001035232.1, residues 1061-1081): IGKDLNYLKD[Gly1071=]NGTTSGIGSS

ClinVar aggregate classification (germline): Benign/Likely benign. Review status: criteria provided, multiple submitters, no conflicts (2 of 4 stars). 5 submissions from 5 submitters: Benign (3); Likely benign (2). Last evaluated 2026-01-28.

Conditions:
Seizures, benign familial infantile, 3 (BFIS3). Also called: CONVULSIONS, BENIGN FAMILIAL INFANTILE, 3; Familial neonatal seizures. Identifiers: Orphanet 140927, Orphanet 306, MedGen C1843140, MONDO:0011904, OMIM 607745.
Developmental and epileptic encephalopathy, 11 (DEE11). Also called: Early infantile epileptic encephalopathy 11. Identifiers: Orphanet 1934, MedGen C3150987, MONDO:0013388, OMIM 613721.

Allele frequency attached by ClinVar (database versions not stated): gnomAD 0.00004 and 0.00014; TOPMed 0.00005; ESP Exome Variant Server 0.00008; gnomAD exomes 0.00025 and 0.00045; ExAC 0.00050; 1000 Genomes Project 0.00060; 1000 Genomes Project 30x 0.00062.
gnomAD v4.1: 391 of 1,614,138 alleles (0.024%); highest among the groups gnomAD compares: South Asian, 0.34%; 4 homozygotes.

Submissions (5):

Labcorp Genetics (formerly Invitae), Labcorp
Classification: Benign for Seizures, benign familial infantile, 3; Developmental and epileptic encephalopathy, 11. Last evaluated: 2026-01-28. Review status: criteria provided, single submitter. Criteria: Invitae Variant Classification Sherloc (09022015). Collection method: clinical testing. Allele origin: germline.

Blueprint Genetics
Classification: Likely benign. Last evaluated: 2024-06-28. Review status: criteria provided, single submitter. Criteria: ACMG Guidelines, 2015. Collection method: clinical testing. Allele origin: germline.

CeGaT Center for Human Genetics Tuebingen
Classification: Likely benign. Last evaluated: 2023-02-01. Review status: criteria provided, single submitter. Criteria: CeGaT Center For Human Genetics Tuebingen Variant Classification Criteria Version 2. Collection method: clinical testing. Allele origin: germline. Affected: yes. Observed: 2 variant alleles.
Comment: SCN2A: BP4, BP7, BS1

Illumina Laboratory Services, Illumina
Classification: Benign for Seizures, benign familial infantile, 3. Last evaluated: 2018-01-12. Review status: criteria provided, single submitter. Criteria: ICSL Variant Classification Criteria 13 December 2019. Collection method: clinical testing. Allele origin: germline.
Comment: This variant was observed in the ICSL laboratory as part of a predisposition screen in an ostensibly healthy population. It had not been previously curated by ICSL or reported in the Human Gene Mutation Database (HGMD: prior to June 1st, 2018), and was therefore a candidate for classification through an automated scoring system. Utilizing variant allele frequency, disease prevalence and penetrance estimates, and inheritance mode, an automated score was calculated to assess if this variant is too frequent to cause the disease. Based on the score and internal cut-off values, a variant classified as benign is not then subjected to further curation. The score for this variant resulted in a classification of benign for this disease.

GeneDx
Classification: Benign. Last evaluated: 2014-03-06. Review status: criteria provided, single submitter. Criteria: GeneDx Variant Classification (06012015). Collection method: clinical testing. Allele origin: germline. Affected: yes.
Comment: This variant is considered likely benign or benign based on one or more of the following criteria: it is a conservative change, it occurs at a poorly conserved position in the protein, it is predicted to be benign by multiple in silico algorithms, and/or has population frequency not consistent with disease.